The following is an entry in ClinVar:

NM_001042492.3(NF1):c.7321+19_7321+22del

Gene: NF1 (neurofibromin 1; plus strand). Cytogenetic location: 17q11.2.
Variant type: Deletion.
Coding change: c.7321+19_7321+22del on transcript NM_001042492.3 (MANE Select); bases 19 to 22 of the intron after coding-DNA position 7321, 4 bases deleted (CAAA; older notation c.7321+19_7321+22delCAAA).
Molecular consequence: intron variant.
Genome position (GRCh38, 1-based): chr17:31,349,270-31,349,273, CAAA deleted; deleting any 4 consecutive bases within chr17:31,349,267-31,349,273 gives the same sequence; the c. name uses the placement nearest the transcript's 3' end. VCF-style (leftmost placement, unchanged base first): chr17-31349266-TAAAC-T. GRCh37 (hg19) VCF-style: chr17-29676284-TAAAC-T.
Other names: c.7258+19_7258+22delCAAA (NM_000267.3); c.7258+19_7258+22del (NM_000267.4); c.7321+19_7321+22delCAAA (NM_001042492.2).
Identifiers: ClinVar variation 257302 (VCV000257302.4), dbSNP rs528866152, ClinGen allele CA8487542.
Genomic context (GRCh38, chr17:31,349,266, plus strand): 5'-TGTGACAAATTTGAAGTGAATACACAGAGCGTGGCCTACTTAGCAGGTAAAAACACAAAA[TAAAC>T]AAAATTAATCTTGCTACATCTATATATAAGGATCACCCAAAAAGTACAAATACCTATAGG-3'

ClinVar aggregate classification (germline): Benign/Likely benign. Review status: criteria provided, multiple submitters, no conflicts (2 of 4 stars). 4 submissions from 4 submitters: Benign (1); Likely benign (3). Last evaluated 2024-11-08.

Submissions (4):

Blueprint Genetics
Classification: Likely benign. Last evaluated: 2024-11-08. Review status: criteria provided, single submitter. Criteria: ACMG Guidelines, 2015. Collection method: clinical testing. Allele origin: germline.

Athena Diagnostics
Classification: Benign. Last evaluated: 2020-03-12. Review status: criteria provided, single submitter. Criteria: Athena Diagnostics Criteria. Collection method: clinical testing. Allele origin: unknown.

GeneDx
Classification: Likely benign. Last evaluated: 2017-09-13. Review status: criteria provided, single submitter. Criteria: GeneDx Variant Classification (06012015). Collection method: clinical testing. Allele origin: germline. Affected: yes.
Comment: This variant is considered likely benign or benign based on one or more of the following criteria: it is a conservative change, it occurs at a poorly conserved position in the protein, it is predicted to be benign by multiple in silico algorithms, and/or has population frequency not consistent with disease.

PreventionGenetics, part of Exact Sciences
Classification: Likely benign. Review status: criteria provided, single submitter. Criteria: ACMG Guidelines, 2015. Collection method: clinical testing. Allele origin: germline.